The following is an entry in ClinVar:

NM_001369.3(DNAH5):c.13390_13391insCTGTCTCTTATACCTCT (p.Arg4464fs)

Gene: DNAH5 (dynein axonemal heavy chain 5; minus strand). Cytogenetic location: 5p15.2.
Variant type: Insertion.
Coding change: c.13390_13391insCTGTCTCTTATACCTCT on transcript NM_001369.3 (MANE Select); coding-DNA positions 13390 to 13391, CTGTCTCTTATACCTCT inserted.
Protein change: p.Arg4464fs; shifts the reading frame from arginine 4464.
Molecular consequence: frameshift variant.
Genome position: GRCh38 VCF-style: chr5-13701384-C-CAGAGGTATAAGAGACAG. GRCh37 (hg19) VCF-style: chr5-13701493-C-CAGAGGTATAAGAGACAG.
Other names: short protein forms R4464fs.
Identifiers: ClinVar variation 5010982 (VCV005010982.1).

ClinVar aggregate classification (germline): Pathogenic (1 of 4 stars; one submission).

Conditions:
Primary ciliary dyskinesia 3. Identifiers: Orphanet 244, MedGen C1837618, MONDO:0012085, OMIM 608644.

Submission:

Myriad Genetics, Inc.
Classification: Pathogenic for Primary ciliary dyskinesia 3. Last evaluated: 2024-05-14. Review status: criteria provided, single submitter. Criteria: Myriad Autosomal Dominant, Autosomal Recessive and X-Linked Classification Criteria (2023). Collection method: clinical testing. Allele origin: unknown.
Comment: NM_001369.2(DNAH5):c.13390_13391ins17(R4464Tfs*25) is expected to be pathogenic in the context of primary ciliary dyskinesia, DNAH5-related. This variant is predicted to lead to an abnormal or absent protein product due to the creation of a premature termination codon in DNAH5, a gene where loss-of-function variants are known to be pathogenic. Please note: this variant was assessed in the context of healthy population screening.